The following is an entry in ClinVar:

NM_001378454.1(ALMS1):c.6477A>T (p.Arg2159Ser)

Gene: ALMS1 (ALMS1 centrosome and basal body associated protein; plus strand). Cytogenetic location: 2p13.1.
Variant type: single nucleotide variant.
Coding change: c.6477A>T on transcript NM_001378454.1 (MANE Select); coding-DNA position 6477, A replaced by T.
Protein change: p.Arg2159Ser; replaces arginine 2159 with serine.
Molecular consequence: missense variant.
Genome position (GRCh38, 1-based): chr2:73,453,004, A>T. VCF-style: chr2-73453004-A-T. GRCh37 (hg19) VCF-style: chr2-73680131-A-T.
Other names: c.6480A>T, p.Arg2160Ser (NM_015120.4); short protein forms R2160S, R2159S.
Identifiers: ClinVar variation 1375006 (VCV001375006.9), dbSNP rs772943318, ClinGen allele CA1714069.

ClinVar aggregate classification (germline): Conflicting classifications of pathogenicity. Review status: criteria provided, conflicting classifications (1 of 4 stars). 4 submissions from 4 submitters: Uncertain significance (3); Likely benign (1). Last evaluated 2025-12-16.

Conditions:
Cardiovascular phenotype. Identifiers: MedGen CN230736.
Alstrom syndrome (ALMS). Identifiers: Orphanet 64, MedGen C0268425, MONDO:0008763, OMIM 203800.

Allele frequency attached by ClinVar (database versions not stated): ExAC 0.00001; gnomAD exomes 0.00001.
gnomAD v4.1: 138 of 1,612,818 alleles (0.0086%); highest among the groups gnomAD compares: Non-Finnish European, 0.011%; no homozygotes.

Submissions (4):

Ambry Genetics
Classification: Uncertain significance for Cardiovascular phenotype. Last evaluated: 2025-12-16. Review status: criteria provided, single submitter. Criteria: Ambry Variant Classification Scheme 2023. Collection method: clinical testing. Allele origin: germline.
Comment: The p.R2160S variant (also known as c.6480A>T), located in coding exon 8 of the ALMS1 gene, results from an A to T substitution at nucleotide position 6480. The arginine at codon 2160 is replaced by serine, an amino acid with dissimilar properties. This amino acid position is not well conserved in available vertebrate species. In addition, this alteration is predicted to be tolerated by in silico analysis. Based on the available evidence, the clinical significance of this variant remains unclear.

Labcorp Genetics (formerly Invitae), Labcorp
Classification: Uncertain significance for Alstrom syndrome. Last evaluated: 2025-01-28. Review status: criteria provided, single submitter. Criteria: Invitae Variant Classification Sherloc (09022015). Collection method: clinical testing. Allele origin: germline.
Comment: This sequence change replaces arginine, which is basic and polar, with serine, which is neutral and polar, at codon 2160 of the ALMS1 protein (p.Arg2160Ser). This variant is present in population databases (rs772943318, gnomAD 0.002%). This variant has not been reported in the literature in individuals affected with ALMS1-related conditions. ClinVar contains an entry for this variant (Variation ID: 1375006). Experimental studies and prediction algorithms are not available or were not evaluated, and the functional significance of this variant is currently unknown. In summary, the available evidence is currently insufficient to determine the role of this variant in disease. Therefore, it has been classified as a Variant of Uncertain Significance.

GeneDx
Classification: Uncertain significance. Last evaluated: 2024-09-05. Review status: criteria provided, single submitter. Criteria: GeneDx Variant Classification Process June 2021. Collection method: clinical testing. Allele origin: germline. Affected: yes.
Comment: Not observed at significant frequency in large population cohorts (gnomAD); In silico analysis indicates that this missense variant does not alter protein structure/function; Has not been previously published as pathogenic or benign to our knowledge

Blueprint Genetics
Classification: Likely benign. Last evaluated: 2022-07-22. Review status: criteria provided, single submitter. Criteria: ACMG Guidelines, 2015. Collection method: clinical testing. Allele origin: germline.